The following is an entry in ClinVar:

ClinVar aggregate classification (germline): Uncertain significance (1 of 4 stars; one submission).

Conditions:
Multiple endocrine neoplasia, type 2 (MEN2). Identifiers: Orphanet 653, MedGen C4048306, MONDO:0019003. Disease mechanism: gain of function.

Submission:

Labcorp Genetics (formerly Invitae), Labcorp
Classification: Uncertain significance for Multiple endocrine neoplasia, type 2. Last evaluated: 2024-09-18. Review status: criteria provided, single submitter. Criteria: Invitae Variant Classification Sherloc (09022015). Collection method: clinical testing. Allele origin: germline.
Comment: This sequence change replaces leucine, which is neutral and non-polar, with arginine, which is basic and polar, at codon 398 of the RET protein (p.Leu398Arg). This variant is not present in population databases (gnomAD no frequency). This variant has not been reported in the literature in individuals affected with RET-related conditions. An algorithm developed to predict the effect of missense changes on protein structure and function (PolyPhen-2) suggests that this variant is likely to be disruptive. In summary, the available evidence is currently insufficient to determine the role of this variant in disease. Therefore, it has been classified as a Variant of Uncertain Significance.

NM_020975.6(RET):c.1193T>G (p.Leu398Arg)

Gene: RET (ret proto-oncogene; plus strand). Cytogenetic location: 10q11.21.
Variant type: single nucleotide variant.
Coding change: c.1193T>G on transcript NM_020975.6 (MANE Select); coding-DNA position 1193, T replaced by G.
Protein change: p.Leu398Arg; replaces leucine 398 with arginine.
Molecular consequence: missense variant. On other transcripts: intron variant (18).
Genome position (GRCh38, 1-based): chr10:43,109,160, T>G. VCF-style: chr10-43109160-T-G. GRCh37 (hg19) VCF-style: chr10-43604608-T-G.
Other names: c.868-2047T>G (NM_001406769.1, NM_001406772.1); c.626-2939T>G (NM_001406782.1, NM_001406780.1, NM_001406779.1 and 3 more transcripts); c.739-2047T>G (NM_001406774.1); c.497-2939T>G (NM_001406786.1, NM_001406783.1); c.338-2939T>G (NM_001406790.1, NM_001406788.1, NM_001406789.1 and 1 more transcripts); c.431T>G, p.Leu144Arg (NM_001355216.2); c.1193T>G, p.Leu398Arg (NM_001406743.1, NM_001406744.1, NM_001406759.1 and 4 more transcripts); c.1064T>G, p.Leu355Arg (NM_001406761.1, NM_001406762.1, NM_001406764.1 and 1 more transcripts); and 5 more; short protein forms L252R, L302R, L398R, L144R, L355R, L68R, L156R.
Identifiers: ClinVar variation 3717869 (VCV003717869.2).
Genomic context (GRCh38, chr10:43,109,160, plus strand): 5'-ACTCAGACTTCCAGGGCCCAGGAGCGGGCGTCCTCTTGCTCCACTTCAACGTGTCGGTGC[T>G]GCCGGTCAGCCTGCACCTGCCCAGTACCTACTCCCTCTCCGTGAGCAGGAGGGCTCGCCG-3'
Protein context (NP_066124.1, residues 388-408): VLLLHFNVSV[Leu398Arg]PVSLHLPSTY